The following is an entry in ClinVar:

ClinVar aggregate classification (germline): Uncertain significance (1 of 4 stars; one submission).

Submission:

Labcorp Genetics (formerly Invitae), Labcorp
Classification: Uncertain significance. Last evaluated: 2025-09-30. Review status: criteria provided, single submitter. Criteria: Invitae Variant Classification Sherloc (09022015). Collection method: clinical testing. Allele origin: germline.
Comment: This sequence change replaces lysine, which is basic and polar, with asparagine, which is neutral and polar, at codon 770 of the SAMD9L protein (p.Lys770Asn). This variant is not present in population databases (gnomAD no frequency). This variant has not been reported in the literature in individuals affected with SAMD9L-related conditions. Invitae Evidence Modeling of protein sequence and biophysical properties (such as structural, functional, and spatial information, amino acid conservation, physicochemical variation, residue mobility, and thermodynamic stability) indicates that this missense variant is not expected to disrupt SAMD9L protein function with a negative predictive value of 80%. In summary, the available evidence is currently insufficient to determine the role of this variant in disease. Therefore, it has been classified as a Variant of Uncertain Significance.

NM_152703.5(SAMD9L):c.2310G>C (p.Lys770Asn)

Gene: SAMD9L (sterile alpha motif domain containing 9 like; minus strand). Cytogenetic location: 7q21.2.
Variant type: single nucleotide variant.
Coding change: c.2310G>C on transcript NM_152703.5 (MANE Select); coding-DNA position 2310, G replaced by C.
Protein change: p.Lys770Asn; replaces lysine 770 with asparagine.
Molecular consequence: missense variant.
Genome position (GRCh38, 1-based): chr7:93,133,662, C>G on the plus strand (G>C on the coding strand, the complement: SAMD9L is on the minus strand). VCF-style: chr7-93133662-C-G. GRCh37 (hg19) VCF-style: chr7-92762975-C-G.
Other names: c.2310G>C, p.Lys770Asn (NM_001303496.3, NM_001303497.3, NM_001303498.3 and 5 more transcripts); short protein forms K770N.
Identifiers: ClinVar variation 4741583 (VCV004741583.1).